The following is an entry in ClinVar:

NM_001127208.3(TET2):c.3402A>T (p.Arg1134Ser)

Genes: TET2 (tet methylcytosine dioxygenase 2; plus strand), TET2-AS1 (TET2 antisense RNA 1; minus strand). Cytogenetic location: 4q24.
Variant type: single nucleotide variant.
Coding change: c.3402A>T on transcript NM_001127208.3 (MANE Select); coding-DNA position 3402, A replaced by T.
Protein change: p.Arg1134Ser; replaces arginine 1134 with serine.
Molecular consequence: missense variant.
Genome position (GRCh38, 1-based): chr4:105,237,344, A>T. VCF-style: chr4-105237344-A-T. GRCh37 (hg19) VCF-style: chr4-106158501-A-T.
Other names: c.3402A>T, p.Arg1134Ser (NM_017628.4); short protein forms R1134S.
Identifiers: ClinVar variation 4594162 (VCV004594162.1).

ClinVar aggregate classification (germline): Uncertain significance (1 of 4 stars; one submission).

Submission:

Ambry Genetics
Classification: Uncertain significance. Last evaluated: 2025-10-16. Review status: criteria provided, single submitter. Criteria: Ambry Variant Classification Scheme 2023. Collection method: clinical testing. Allele origin: germline.
Comment: The p.R1134S variant (also known as c.3402A>T), located in coding exon 1 of the TET2 gene, results from an A to T substitution at nucleotide position 3402. The arginine at codon 1134 is replaced by serine, an amino acid with dissimilar properties. This amino acid position is conserved. In addition, this alteration is predicted to be tolerated by in silico analysis. Based on the available evidence, the clinical significance of this variant remains unclear.